The following is an entry in ClinVar:

ClinVar aggregate classification (germline): Uncertain significance (1 of 4 stars; one submission).

gnomAD v4.1: 1 of 1,613,116 alleles (0.000062%); highest among the groups gnomAD compares: Non-Finnish European, 0.000085%; no homozygotes.

Submission:

Labcorp Genetics (formerly Invitae), Labcorp
Classification: Uncertain significance. Last evaluated: 2024-05-29. Review status: criteria provided, single submitter. Criteria: Invitae Variant Classification Sherloc (09022015). Collection method: clinical testing. Allele origin: germline.
Comment: This sequence change replaces tyrosine, which is neutral and polar, with phenylalanine, which is neutral and non-polar, at codon 4344 of the HMCN1 protein (p.Tyr4344Phe). This variant is not present in population databases (gnomAD no frequency). This variant has not been reported in the literature in individuals affected with HMCN1-related conditions. ClinVar contains an entry for this variant (Variation ID: 2092556). An algorithm developed to predict the effect of missense changes on protein structure and function (PolyPhen-2) suggests that this variant is likely to be disruptive. In summary, the available evidence is currently insufficient to determine the role of this variant in disease. Therefore, it has been classified as a Variant of Uncertain Significance.

NM_031935.3(HMCN1):c.13031A>T (p.Tyr4344Phe)

Gene: HMCN1 (hemicentin 1; plus strand). Cytogenetic location: 1q31.1.
Variant type: single nucleotide variant.
Coding change: c.13031A>T on transcript NM_031935.3 (MANE Select); coding-DNA position 13031, A replaced by T.
Protein change: p.Tyr4344Phe; replaces tyrosine 4344 with phenylalanine.
Molecular consequence: missense variant.
Genome position (GRCh38, 1-based): chr1:186,130,092, A>T. VCF-style: chr1-186130092-A-T. GRCh37 (hg19) VCF-style: chr1-186099224-A-T.
Other names: short protein forms Y4344F.
Identifiers: ClinVar variation 2092556 (VCV002092556.4), dbSNP rs2102515304, ClinGen allele CA343907371.